The following is an entry in ClinVar:

NM_198947.4(FAM111B):c.1247T>C (p.Phe416Ser)

Gene: FAM111B (FAM111 trypsin like peptidase B; plus strand). Cytogenetic location: 11q12.1.
Variant type: single nucleotide variant.
Coding change: c.1247T>C on transcript NM_198947.4 (MANE Select); coding-DNA position 1247, T replaced by C.
Protein change: p.Phe416Ser; replaces phenylalanine 416 with serine.
Molecular consequence: missense variant.
Genome position (GRCh38, 1-based): chr11:59,125,344, T>C. VCF-style: chr11-59125344-T-C. GRCh37 (hg19) VCF-style: chr11-58892817-T-C.
Other names: c.1157T>C, p.Phe386Ser (NM_001142703.2, NM_001142704.2); short protein forms F386S, F416S.
Identifiers: ClinVar variation 1192525 (VCV001192525.3), dbSNP rs2135404867, ClinGen allele CA380759262.

ClinVar aggregate classification (germline): not provided (0 of 4 stars; one submission).

Conditions:
Hereditary sclerosing poikiloderma with tendon and pulmonary involvement. Also called: Poikiloderma, hereditary fibrosing, with tendon contractures, myopathy, and pulmonary fibrosis. Identifiers: Orphanet 221043, MedGen C3810325, MONDO:0014310, OMIM 615704.

Submission:

GeneReviews
No classification provided. Condition: Hereditary sclerosing poikiloderma with tendon and pulmonary involvement. Review status: no classification provided. Collection method: literature only. Allele origin: germline.
Comment: May be associated with less severe extracutaneous phenotype. Further studies are needed.

Literature cited by the submitters: PubMed 17034542; PubMed 24268661; PubMed 26471370; PubMed 26495788; PubMed 27406236; PubMed 27748098.